The following is an entry in ClinVar:

ClinVar aggregate classification (germline): Uncertain significance (1 of 4 stars; one submission).

Allele frequency attached by ClinVar (database versions not stated): gnomAD exomes below 0.00001; ExAC 0.00002; gnomAD 0.00003; TOPMed 0.00003; 1000 Genomes Project 30x 0.00016; 1000 Genomes Project 0.00020.
gnomAD v4.1: 6 of 1,478,416 alleles (0.00041%); highest among the groups gnomAD compares: African/African-American, 0.0074%; no homozygotes.

Submission:

Labcorp Genetics (formerly Invitae), Labcorp
Classification: Uncertain significance. Last evaluated: 2023-03-18. Review status: criteria provided, single submitter. Criteria: Invitae Variant Classification Sherloc (09022015). Collection method: clinical testing. Allele origin: germline.
Comment: In summary, the available evidence is currently insufficient to determine the role of this variant in disease. Therefore, it has been classified as a Variant of Uncertain Significance. Advanced modeling of protein sequence and biophysical properties (such as structural, functional, and spatial information, amino acid conservation, physicochemical variation, residue mobility, and thermodynamic stability) performed at Invitae indicates that this missense variant is not expected to disrupt BCL11B protein function. This variant has not been reported in the literature in individuals affected with BCL11B-related conditions. The frequency data for this variant in the population databases is considered unreliable, as metrics indicate poor data quality at this position in the gnomAD database. This sequence change replaces proline, which is neutral and non-polar, with alanine, which is neutral and non-polar, at codon 327 of the BCL11B protein (p.Pro327Ala).

NM_138576.4(BCL11B):c.979C>G (p.Pro327Ala)

Gene: BCL11B (BCL11 transcription factor B; minus strand). Cytogenetic location: 14q32.2.
Variant type: single nucleotide variant.
Coding change: c.979C>G on transcript NM_138576.4 (MANE Select); coding-DNA position 979, C replaced by G.
Protein change: p.Pro327Ala; replaces proline 327 with alanine.
Molecular consequence: missense variant.
Genome position (GRCh38, 1-based): chr14:99,175,857, G>C on the plus strand (C>G on the coding strand, the complement: BCL11B is on the minus strand). VCF-style: chr14-99175857-G-C. GRCh37 (hg19) VCF-style: chr14-99642194-G-C.
Other names: c.976C>G, p.Pro326Ala (NM_001282237.2); c.763C>G, p.Pro255Ala (NM_001282238.2); c.766C>G, p.Pro256Ala (NM_022898.3); short protein forms P326A, P256A, P327A, P255A.
Identifiers: ClinVar variation 3002530 (VCV003002530.3), dbSNP rs576839624, ClinGen allele CA7339758.